The following is an entry in ClinVar:

NM_005027.4(PIK3R2):c.816-8C>T

Gene: PIK3R2 (phosphoinositide-3-kinase regulatory subunit 2; plus strand). Cytogenetic location: 19p13.11.
Variant type: single nucleotide variant.
Coding change: c.816-8C>T on transcript NM_005027.4 (MANE Select); 8 bases into the intron before coding-DNA position 816, C replaced by T.
Molecular consequence: intron variant.
Genome position (GRCh38, 1-based): chr19:18,161,958, C>T. VCF-style: chr19-18161958-C-T. GRCh37 (hg19) VCF-style: chr19-18272768-C-T.
Identifiers: ClinVar variation 732893 (VCV000732893.24), dbSNP rs200494626, ClinGen allele CA9306817.
Genomic context (GRCh38, chr19:18,161,958, plus strand): 5'-CAATCCTGTGCACATGCGTGGGCGGACAGGCCCTACCCAGCCCTCACCACACTCCCCTTC[C>T]CCCTAAGGAGTGAGCCCAGCCCTGACTTCCCGGCGCTGCTGGTGGAGAAGCTGCTTCAGG-3'

ClinVar aggregate classification (germline): Likely benign. Review status: criteria provided, multiple submitters, no conflicts (2 of 4 stars). 3 submissions from 3 submitters: Likely benign (2). 1 of the submissions does not count toward it. Last evaluated 2025-06-13.

Conditions:
Megalencephaly-polymicrogyria-postaxial polydactyly-hydrocephalus syndrome. Also called: MEG-PMG-MEGACC SYNDROME; MPPH Syndrome. Identifiers: Orphanet 83473, MedGen C1863924, MONDO:0019375.
PIK3R2-related disorder. Also called: PIK3R2-related condition.

Allele frequency attached by ClinVar (database versions not stated): ExAC 0.00025; ESP Exome Variant Server 0.00015; gnomAD 0.00016 and 0.00018; TOPMed 0.00019; gnomAD exomes 0.00020 and 0.00037.
gnomAD v4.1: 342 of 1,613,000 alleles (0.021%); highest among the groups gnomAD compares: Non-Finnish European, 0.0042%; 2 homozygotes.

Submissions (3):

Labcorp Genetics (formerly Invitae), Labcorp
Classification: Likely benign for Megalencephaly-polymicrogyria-postaxial polydactyly-hydrocephalus syndrome. Last evaluated: 2025-06-13. Review status: criteria provided, single submitter. Criteria: Invitae Variant Classification Sherloc (09022015). Collection method: clinical testing. Allele origin: germline.

CeGaT Center for Human Genetics Tuebingen
Classification: Likely benign. Last evaluated: 2024-10-01. Review status: criteria provided, single submitter. Criteria: CeGaT Center For Human Genetics Tuebingen Variant Classification Criteria Version 2. Collection method: clinical testing. Allele origin: germline. Affected: yes. Observed: 1 variant allele.
Comment: PIK3R2: BP4

PreventionGenetics, part of Exact Sciences
Classification: Benign for PIK3R2-related condition. Last evaluated: 2019-07-10. Review status: no assertion criteria provided. Collection method: clinical testing. Allele origin: germline. Not counted in ClinVar's aggregate classification.
Comment: This variant is classified as benign based on ACMG/AMP sequence variant interpretation guidelines (Richards et al. 2015 PMID: 25741868, with internal and published modifications).